The following is an entry in ClinVar:

NM_001458.5(FLNC):c.5311C>G (p.Pro1771Ala)

Genes: FLNC-AS1 (FLNC antisense RNA 1; minus strand), FLNC (filamin C; plus strand). Cytogenetic location: 7q32.1.
Variant type: single nucleotide variant.
Coding change: c.5311C>G on transcript NM_001458.5 (MANE Select); coding-DNA position 5311, C replaced by G.
Protein change: p.Pro1771Ala; replaces proline 1771 with alanine.
Molecular consequence: missense variant. On other transcripts: non-coding transcript variant (1).
Genome position (GRCh38, 1-based): chr7:128,850,396, C>G. VCF-style: chr7-128850396-C-G. GRCh37 (hg19) VCF-style: chr7-128490450-C-G.
Other names: c.5212C>G, p.Pro1738Ala (NM_001127487.2); short protein forms P1771A, P1738A.
Identifiers: ClinVar variation 389705 (VCV000389705.20), dbSNP rs200001272, ClinGen allele CA4475654.

ClinVar aggregate classification (germline): Conflicting classifications of pathogenicity. Review status: criteria provided, conflicting classifications (1 of 4 stars). 8 submissions from 8 submitters: Uncertain significance (1); Benign (1); Likely benign (6). Last evaluated 2026-01-31.

Conditions:
Myofibrillar myopathy 5. Also called: Filaminopathy (type); FILAMINOPATHY, AUTOSOMAL DOMINANT. Identifiers: Orphanet 171445, MedGen C1836050, MONDO:0012289, OMIM 609524.
Distal myopathy with posterior leg and anterior hand involvement. Also called: WILLIAMS DISTAL MYOPATHY. Identifiers: Orphanet 63273, MedGen C3279722, MONDO:0013550, OMIM 614065.
Hypertrophic cardiomyopathy 26. Also called: Cardiomyopathy, familial hypertrophic, 26. Identifiers: Orphanet 75249, MedGen C4310749, MONDO:0014883, OMIM 617047.
FLNC-related disorder. Also called: FLNC-related condition; FLNC-related disorders.
Cardiovascular phenotype. Identifiers: MedGen CN230736.

Allele frequency attached by ClinVar (database versions not stated): 1000 Genomes Project 30x 0.00016; TOPMed 0.00025; gnomAD 0.00026 and 0.00027; gnomAD exomes 0.00055; ESP Exome Variant Server 0.00056.
gnomAD v4.1: 824 of 1,613,586 alleles (0.051%); highest among the groups gnomAD compares: Non-Finnish European, 0.067%; 4 homozygotes.

Submissions (8):

Labcorp Genetics (formerly Invitae), Labcorp
Classification: Likely benign for Distal myopathy with posterior leg and anterior hand involvement; Myofibrillar myopathy 5; Hypertrophic cardiomyopathy 26. Last evaluated: 2026-01-31. Review status: criteria provided, single submitter. Criteria: Invitae Variant Classification Sherloc (09022015). Collection method: clinical testing. Allele origin: germline.

Women's Health and Genetics/Laboratory Corporation of America, LabCorp
Classification: Likely benign. Last evaluated: 2025-11-24. Review status: criteria provided, single submitter. Criteria: LabCorp Variant Classification Summary - May 2015. Collection method: clinical testing. Allele origin: germline.
Comment: Variant summary: FLNC c.5311C>G (p.Pro1771Ala) results in a non-conservative amino acid change in the encoded protein sequence. Algorithms developed to predict the effect of missense changes on protein structure and function are either unavailable or do not agree on the potential impact of this missense change. The variant allele was found at a frequency of 0.00023 in 249424 control chromosomes. The observed variant frequency exceeds the estimated maximal expected allele frequency for disease-causing variants in FLNC. To our knowledge, no occurrence of c.5311C>G in individuals affected with FLNC-related conditions and no experimental evidence demonstrating its impact on protein function have been reported. ClinVar contains an entry for this variant (Variation ID: 389705). Based on the evidence outlined above, the variant was classified as likely benign.

Molecular Diagnostic Laboratory for Inherited Cardiovascular Disease, Montreal Heart Institute
Classification: Likely benign. Last evaluated: 2025-04-09. Review status: criteria provided, single submitter. Criteria: ACMG Guidelines, 2015. Collection method: clinical testing. Allele origin: germline. Affected: no.

PreventionGenetics, part of Exact Sciences
Classification: Likely benign for FLNC-related condition. Last evaluated: 2025-03-17. Review status: criteria provided, single submitter. Criteria: ACMG Guidelines, 2015. Collection method: clinical testing. Allele origin: germline.
Comment: This variant is classified as likely benign based on ACMG/AMP sequence variant interpretation guidelines (Richards et al. 2015 PMID: 25741868, with internal and published modifications).

Ambry Genetics
Classification: Benign for Cardiovascular phenotype. Last evaluated: 2024-12-05. Review status: criteria provided, single submitter. Criteria: Ambry Variant Classification Scheme 2023. Collection method: clinical testing. Allele origin: germline.

Blueprint Genetics
Classification: Likely benign. Last evaluated: 2024-06-07. Review status: criteria provided, single submitter. Criteria: ACMG Guidelines, 2015. Collection method: clinical testing. Allele origin: germline.

GeneDx
Classification: Likely benign. Last evaluated: 2021-07-17. Review status: criteria provided, single submitter. Criteria: GeneDx Variant Classification Process June 2021. Collection method: clinical testing. Allele origin: germline. Affected: yes.

Department of Pathology and Laboratory Medicine, Sinai Health System
Classification: Uncertain significance for Myofibrillar myopathy 5; Distal myopathy with posterior leg and anterior hand involvement; Hypertrophic cardiomyopathy 26. Last evaluated: 2020-08-10. Review status: criteria provided, single submitter. Criteria: ACMG Guidelines, 2015. Collection method: research. Allele origin: germline.

Literature cited by the submitters: PubMed 30847666 (cited by Ambry Genetics).